The following is an entry in ClinVar:

ClinVar aggregate classification (germline): Uncertain significance (1 of 4 stars; one submission).

Allele frequency attached by ClinVar (database versions not stated): gnomAD exomes below 0.00001.
gnomAD v4.1: 3 of 1,614,056 alleles (0.00019%); highest among the groups gnomAD compares: Non-Finnish European, 0.00025%; no homozygotes.

Submission:

Labcorp Genetics (formerly Invitae), Labcorp
Classification: Uncertain significance. Last evaluated: 2023-10-25. Review status: criteria provided, single submitter. Criteria: Invitae Variant Classification Sherloc (09022015). Collection method: clinical testing. Allele origin: germline.
Comment: This sequence change replaces glycine, which is neutral and non-polar, with arginine, which is basic and polar, at codon 329 of the ADAM9 protein (p.Gly329Arg). This variant is not present in population databases (gnomAD no frequency). This missense change has been observed in individual(s) with retinitis pigmentosa (PMID: 34662339). It has also been observed to segregate with disease in related individuals. ClinVar contains an entry for this variant (Variation ID: 1721126). Advanced modeling of protein sequence and biophysical properties (such as structural, functional, and spatial information, amino acid conservation, physicochemical variation, residue mobility, and thermodynamic stability) performed at Invitae indicates that this missense variant is expected to disrupt ADAM9 protein function with a positive predictive value of 80%. In summary, the available evidence is currently insufficient to determine the role of this variant in disease. Therefore, it has been classified as a Variant of Uncertain Significance.

Literature cited by the submitters: PubMed 34662339.

NM_003816.3(ADAM9):c.985G>A (p.Gly329Arg)

Gene: ADAM9 (ADAM metallopeptidase domain 9; plus strand). Cytogenetic location: 8p11.22.
Variant type: single nucleotide variant.
Coding change: c.985G>A on transcript NM_003816.3 (MANE Select); coding-DNA position 985, G replaced by A.
Protein change: p.Gly329Arg; replaces glycine 329 with arginine.
Molecular consequence: missense variant. On other transcripts: non-coding transcript variant (3).
Genome position (GRCh38, 1-based): chr8:39,025,873, G>A. VCF-style: chr8-39025873-G-A. GRCh37 (hg19) VCF-style: chr8-38883392-G-A.
Other names: short protein forms G329R.
Identifiers: ClinVar variation 1721126 (VCV001721126.3), dbSNP rs931216395, ClinGen allele CA175211966.
Genomic context (GRCh38, chr8:39,025,873, plus strand): 5'-TTTGGTGGAACTGCAGGAATGGCATTTGTGGGAACAGTGTGTTCAAGGAGCCACGCAGGC[G>A]GGATTAATGTGGTACGTTGTTCTTGATGTTTAACTTTGGATGTTTGCACTGGGACAATAT-3'
Protein context (NP_003807.1, residues 319-339): GTVCSRSHAG[Gly329Arg]INVFGQITVE